The following is an entry in ClinVar:

NM_001197104.2(KMT2A):c.6884G>A (p.Ser2295Asn)

Gene: KMT2A (lysine methyltransferase 2A; plus strand). Cytogenetic location: 11q23.3.
Variant type: single nucleotide variant.
Coding change: c.6884G>A on transcript NM_001197104.2 (MANE Select); coding-DNA position 6884, G replaced by A.
Protein change: p.Ser2295Asn; replaces serine 2295 with asparagine.
Molecular consequence: missense variant.
Genome position (GRCh38, 1-based): chr11:118,502,776, G>A. VCF-style: chr11-118502776-G-A. GRCh37 (hg19) VCF-style: chr11-118373491-G-A.
Other names: c.6974G>A, p.Ser2325Asn (NM_001412597.1); c.6875G>A, p.Ser2292Asn (NM_005933.4); short protein forms S2325N, S2295N, S2292N.
Identifiers: ClinVar variation 1914342 (VCV001914342.5), dbSNP rs782605777, ClinGen allele CA6304321.

ClinVar aggregate classification (germline): Uncertain significance (1 of 4 stars; one submission).

Allele frequency attached by ClinVar (database versions not stated): gnomAD exomes below 0.00001; TOPMed below 0.00001; ExAC 0.00001; gnomAD 0.00001.
gnomAD v4.1: 2 of 1,614,048 alleles (0.00012%); highest among the groups gnomAD compares: Non-Finnish European, 0.00017%; no homozygotes.

Submission:

Labcorp Genetics (formerly Invitae), Labcorp
Classification: Uncertain significance. Last evaluated: 2024-11-04. Review status: criteria provided, single submitter. Criteria: Invitae Variant Classification Sherloc (09022015). Collection method: clinical testing. Allele origin: germline.
Comment: This sequence change replaces serine, which is neutral and polar, with asparagine, which is neutral and polar, at codon 2295 of the KMT2A protein (p.Ser2295Asn). This variant is present in population databases (rs782605777, gnomAD 0.0009%). This variant has not been reported in the literature in individuals affected with KMT2A-related conditions. ClinVar contains an entry for this variant (Variation ID: 1914342). Invitae Evidence Modeling of protein sequence and biophysical properties (such as structural, functional, and spatial information, amino acid conservation, physicochemical variation, residue mobility, and thermodynamic stability) indicates that this missense variant is not expected to disrupt KMT2A protein function with a negative predictive value of 95%. In summary, the available evidence is currently insufficient to determine the role of this variant in disease. Therefore, it has been classified as a Variant of Uncertain Significance.